The following is an entry in ClinVar:

ClinVar aggregate classification (germline): Pathogenic. Review status: criteria provided, multiple submitters, no conflicts (2 of 4 stars). 2 submissions from 2 submitters: Pathogenic (2). Last evaluated 2023-05-19.

Conditions:
Vitamin D-dependent rickets type II with alopecia (VDDR2A). Also called: GENERALIZED RESISTANCE TO 1,25-DIHYDROXYVITAMIN D; HYPOCALCEMIC VITAMIN D-RESISTANT RICKETS; PDDR IIA; PSEUDOVITAMIN D-DEFICIENCY, TYPE IIA; RICKETS, HEREDITARY VITAMIN D-RESISTANT; RICKETS-ALOPECIA SYNDROME. Identifiers: Orphanet 93160, MedGen C0342646, MONDO:0010186, OMIM 277440.

Allele frequency attached by ClinVar (database versions not stated): gnomAD 0.00001; ExAC 0.00002.
gnomAD v4.1: 3 of 1,614,058 alleles (0.00019%); highest among the groups gnomAD compares: African/African-American, 0.0013%; no homozygotes.

Submissions (2):

Labcorp Genetics (formerly Invitae), Labcorp
Classification: Pathogenic. Last evaluated: 2023-05-19. Review status: criteria provided, single submitter. Criteria: Invitae Variant Classification Sherloc (09022015). Collection method: clinical testing. Allele origin: germline.
Comment: ClinVar contains an entry for this variant (Variation ID: 2137319). This sequence change replaces arginine, which is basic and polar, with histidine, which is basic and polar, at codon 391 of the VDR protein (p.Arg391His). This variant is present in population databases (rs776088779, gnomAD 0.004%). This missense change has been observed in individual(s) with rickets (PMID: 24859502). In at least one individual the data is consistent with being in trans (on the opposite chromosome) from a pathogenic variant. It has also been observed to segregate with disease in related individuals. Advanced modeling of protein sequence and biophysical properties (such as structural, functional, and spatial information, amino acid conservation, physicochemical variation, residue mobility, and thermodynamic stability) has been performed at Invitae for this missense variant, however the output from this modeling did not meet the statistical confidence thresholds required to predict the impact of this variant on VDR protein function. For these reasons, this variant has been classified as Pathogenic.

Juno Genomics, Hangzhou Juno Genomics, Inc
Classification: Pathogenic for Vitamin D-dependent rickets type II with alopecia. Review status: criteria provided, single submitter. Criteria: ACMG Guidelines, 2015. Collection method: clinical testing. Allele origin: germline. Affected: yes.
Comment: Absent from controls (or at extremely low frequency if recessive) in Genome Aggregation Database, Exome Sequencing Project, 1000 Genomes Project, or Exome Aggregation Consortium.;For recessive disorders, detected in trans with a pathogenic variant.;Patient's phenotype or family history is highly specific for a disease with a single genetic etiology.;Multiple lines of computational evidence support a deleterious effect on the gene or gene product (conservation, evolutionary, splicing impact, etc).;Novel missense change at an amino acid residue where a different missense change determined to be pathogenic has been seen before.

Literature cited by the submitters: PubMed 24859502 (cited by Labcorp Genetics (formerly Invitae), Labcorp).

NM_000376.3(VDR):c.1172G>A (p.Arg391His)

Gene: VDR (vitamin D receptor; minus strand). Cytogenetic location: 12q13.11.
Variant type: single nucleotide variant.
Coding change: c.1172G>A on transcript NM_000376.3 (MANE Select); coding-DNA position 1172, G replaced by A.
Protein change: p.Arg391His; replaces arginine 391 with histidine.
Molecular consequence: missense variant.
Genome position (GRCh38, 1-based): chr12:47,844,858, C>T on the plus strand (G>A on the coding strand, the complement: VDR is on the minus strand). VCF-style: chr12-47844858-C-T. GRCh37 (hg19) VCF-style: chr12-48238641-C-T.
Other names: c.1172G>A, p.Arg391His (NM_001017535.2, NM_001364085.2, NM_001374661.1 and 1 more transcripts); c.1322G>A, p.Arg441His (NM_001017536.2); short protein forms R391H, R441H.
Identifiers: ClinVar variation 2137319 (VCV002137319.6), dbSNP rs776088779, ClinGen allele CA6533730.